The following is an entry in ClinVar:

ClinVar aggregate classification (germline): Likely pathogenic. Review status: criteria provided, multiple submitters, no conflicts (2 of 4 stars). 2 submissions from 2 submitters: Likely pathogenic (2). Last evaluated 2022-01-20.

Conditions:
Maple syrup urine disease (MSUD). Identifiers: Orphanet 511, MedGen C0024776, MeSH D008375, MONDO:0009563. Disease mechanism: loss of function.
Maple syrup urine disease type 1A (MSUD1A). Also called: MSUD type 1A. Identifiers: MedGen C1855369, MONDO:0023691, OMIM 248600.

Submissions (2):

Revvity Omics, Revvity
Classification: Likely pathogenic for Maple syrup urine disease type 1A. Last evaluated: 2022-01-20. Review status: criteria provided, single submitter. Criteria: ACMG Guidelines, 2015. Collection method: clinical testing. Allele origin: germline.

Centre for Mendelian Genomics, University Medical Centre Ljubljana
Classification: Likely pathogenic for Maple syrup urine disease type 1A. Last evaluated: 2020-01-16. Review status: criteria provided, single submitter. Criteria: ACMG Guidelines, 2015. Collection method: clinical testing. Allele origin: unknown. Affected: yes.
Comment: This variant was classified as: Likely pathogenic. The following ACMG criteria were applied in classifying this variant: PVS1,PM2.

NM_000709.4(BCKDHA):c.1168-1G>A

Gene: BCKDHA (branched chain keto acid dehydrogenase E1 subunit alpha; plus strand). Cytogenetic location: 19q13.2.
Variant type: single nucleotide variant.
Coding change: c.1168-1G>A on transcript NM_000709.4 (MANE Select); the canonical splice acceptor site of the intron before coding-DNA position 1168, G replaced by A.
Molecular consequence: splice acceptor variant.
Genome position (GRCh38, 1-based): chr19:41,424,437, G>A. VCF-style: chr19-41424437-G-A. GRCh37 (hg19) VCF-style: chr19-41930342-G-A.
Other names: c.1165-1G>A (NM_001164783.2).
Identifiers: ClinVar variation 931233 (VCV000931233.6), dbSNP rs2039405116, ClinGen allele CA406015139.